The following is an entry in ClinVar:

ClinVar aggregate classification (germline): Likely benign. Review status: criteria provided, single submitter (1 of 4 stars). 2 submissions from 2 submitters: Likely benign (1). 1 of the submissions does not count toward it. Last evaluated 2022-11-07.

Conditions:
Inborn genetic diseases. Identifiers: MedGen C0950123, MeSH D030342.
SETD1B-related disorder. Also called: SETD1B-related condition.

Allele frequency attached by ClinVar (database versions not stated): gnomAD exomes 0.00006; ExAC 0.00034; ESP Exome Variant Server 0.00066; gnomAD 0.00068; TOPMed 0.00073; 1000 Genomes Project 0.00080; 1000 Genomes Project 30x 0.00094.
gnomAD v4.1: 199 of 1,551,882 alleles (0.013%); highest among the groups gnomAD compares: African/African-American, 0.24%; 2 homozygotes.

Submissions (2):

Ambry Genetics
Classification: Likely benign for Inborn genetic diseases. Last evaluated: 2022-11-07. Review status: criteria provided, single submitter. Criteria: Ambry Variant Classification Scheme 2023. Collection method: clinical testing. Allele origin: germline.

PreventionGenetics, part of Exact Sciences
Classification: Likely benign for SETD1B-related condition. Last evaluated: 2022-02-24. Review status: no assertion criteria provided. Collection method: clinical testing. Allele origin: germline. Not counted in ClinVar's aggregate classification.
Comment: This variant is classified as likely benign based on ACMG/AMP sequence variant interpretation guidelines (Richards et al. 2015 PMID: 25741868, with internal and published modifications).

NM_001353345.2(SETD1B):c.3638G>A (p.Gly1213Glu)

Gene: SETD1B (SET domain containing 1B, histone lysine methyltransferase; plus strand). Cytogenetic location: 12q24.31.
Variant type: single nucleotide variant.
Coding change: c.3638G>A on transcript NM_001353345.2 (MANE Select); coding-DNA position 3638, G replaced by A.
Protein change: p.Gly1213Glu; replaces glycine 1213 with glutamic acid.
Molecular consequence: missense variant.
Genome position (GRCh38, 1-based): chr12:121,819,623, G>A. VCF-style: chr12-121819623-G-A. GRCh37 (hg19) VCF-style: chr12-122257529-G-A.
Other names: NM_015048.1:c.3509G>A; short protein forms G1213E.
Identifiers: ClinVar variation 2213850 (VCV002213850.4), dbSNP rs377276584, ClinGen allele CA6839099.